The following is an entry in ClinVar:

ClinVar aggregate classification (germline): Uncertain significance. Review status: criteria provided, multiple submitters, no conflicts (2 of 4 stars). 3 submissions from 3 submitters: Uncertain significance (3). Last evaluated 2026-09-24.

Conditions:
NEFH-related disorder. Also called: NEFH-related condition.

Allele frequency attached by ClinVar (database versions not stated): TOPMed 0.00001; gnomAD 0.00002; gnomAD exomes 0.00004.
gnomAD v4.1: 60 of 1,509,886 alleles (0.004%); highest among the groups gnomAD compares: Non-Finnish European, 0.005%; no homozygotes.

Submissions (3):

PreventionGenetics, part of Exact Sciences
Classification: Uncertain significance for NEFH-related condition. Last evaluated: 2026-09-24. Review status: criteria provided, single submitter. Criteria: ACMG Guidelines, 2015. Collection method: clinical testing. Allele origin: germline.
Comment: The NEFH c.20C>A variant is predicted to result in the amino acid substitution p.Ala7Glu. To our knowledge, this variant has not been reported in the literature. This variant is reported in 0.020% of alleles in individuals of European (Finnish) descent in gnomAD. At this time, the clinical significance of this variant is uncertain due to the absence of conclusive functional and genetic evidence.

GeneDx
Classification: Uncertain significance. Last evaluated: 2026-02-21. Review status: criteria provided, single submitter. Criteria: GeneDx Variant Classification Process June 2021. Collection method: clinical testing. Allele origin: germline.
Comment: Not observed at significant frequency in large population cohorts (gnomAD); In silico analysis suggests that this missense variant does not alter protein structure/function; Has not been previously published as pathogenic or benign to our knowledge

Labcorp Genetics (formerly Invitae), Labcorp
Classification: Uncertain significance. Last evaluated: 2025-02-12. Review status: criteria provided, single submitter. Criteria: Invitae Variant Classification Sherloc (09022015). Collection method: clinical testing. Allele origin: germline.
Comment: This sequence change replaces alanine, which is neutral and non-polar, with glutamic acid, which is acidic and polar, at codon 7 of the NEFH protein (p.Ala7Glu). The frequency data for this variant in the population databases is considered unreliable, as metrics indicate poor data quality at this position in the gnomAD database. This variant has not been reported in the literature in individuals affected with NEFH-related conditions. ClinVar contains an entry for this variant (Variation ID: 1348052). Invitae Evidence Modeling of protein sequence and biophysical properties (such as structural, functional, and spatial information, amino acid conservation, physicochemical variation, residue mobility, and thermodynamic stability) indicates that this missense variant is not expected to disrupt NEFH protein function with a negative predictive value of 95%. In summary, the available evidence is currently insufficient to determine the role of this variant in disease. Therefore, it has been classified as a Variant of Uncertain Significance.

NM_021076.4(NEFH):c.20C>A (p.Ala7Glu)

Gene: NEFH (neurofilament heavy chain; plus strand). Cytogenetic location: 22q12.2.
Variant type: single nucleotide variant.
Coding change: c.20C>A on transcript NM_021076.4 (MANE Select); coding-DNA position 20, C replaced by A.
Protein change: p.Ala7Glu; replaces alanine 7 with glutamic acid.
Molecular consequence: missense variant.
Genome position (GRCh38, 1-based): chr22:29,480,282, C>A. VCF-style: chr22-29480282-C-A. GRCh37 (hg19) VCF-style: chr22-29876271-C-A.
Other names: c.20C>A (NM_021076.3); short protein forms A7E.
Identifiers: ClinVar variation 1348052 (VCV001348052.9), dbSNP rs938596282, ClinGen allele CA323082674.
Genomic context (GRCh38, chr22:29,480,282, plus strand): 5'-TGCCTCCCGCCCCGTCCCGGCCTCGCGCACCTGCTCAGGCCATGATGAGCTTCGGCGGCG[C>A]GGACGCGCTGCTGGGCGCCCCGTTCGCGCCGCTGCATGGCGGCGGCAGCCTCCACTACGC-3'
Protein context (NP_066554.2, residues 1-17): MMSFGG[Ala7Glu]DALLGAPFAP